The following is an entry in ClinVar:

NM_173598.6(KSR2):c.1844C>T (p.Thr615Met)

Gene: KSR2 (kinase suppressor of ras 2; minus strand). Cytogenetic location: 12q24.22.
Variant type: single nucleotide variant.
Coding change: c.1844C>T on transcript NM_173598.6 (MANE Select); coding-DNA position 1844, C replaced by T.
Protein change: p.Thr615Met; replaces threonine 615 with methionine.
Molecular consequence: missense variant.
Genome position (GRCh38, 1-based): chr12:117,527,078, G>A on the plus strand (C>T on the coding strand, the complement: KSR2 is on the minus strand). VCF-style: chr12-117527078-G-A. GRCh37 (hg19) VCF-style: chr12-117964883-G-A.
Other names: c.1757C>T (NM_173598.4); short protein forms T615M.
Identifiers: ClinVar variation 3672661 (VCV003672661.5).

ClinVar aggregate classification (germline): Conflicting classifications of pathogenicity. Review status: criteria provided, conflicting classifications (1 of 4 stars). 4 submissions from 4 submitters: Uncertain significance (3); Likely benign (1). Last evaluated 2026-06-17.

Conditions:
KSR2-related disorder. Also called: KSR2-related condition.

gnomAD v4.1: 27 of 1,613,550 alleles (0.0017%); highest among the groups gnomAD compares: East Asian, 0.013%; no homozygotes.

Submissions (4):

PreventionGenetics, part of Exact Sciences
Classification: Uncertain significance for KSR2-related condition. Last evaluated: 2026-06-17. Review status: criteria provided, single submitter. Criteria: ACMG Guidelines, 2015. Collection method: clinical testing. Allele origin: germline.
Comment: The KSR2 c.1757C>T variant is predicted to result in the amino acid substitution p.Thr586Met. To our knowledge, this variant has not been reported in the literature. This variant is reported in 0.017% of alleles in individuals of East Asian descent in gnomAD. At this time, the clinical significance of this variant is uncertain due to the absence of conclusive functional and genetic evidence.

Ambry Genetics
Classification: Uncertain significance. Last evaluated: 2025-09-05. Review status: criteria provided, single submitter. Criteria: Ambry Variant Classification Scheme 2023. Collection method: clinical testing. Allele origin: germline.

Labcorp Genetics (formerly Invitae), Labcorp
Classification: Uncertain significance. Last evaluated: 2024-11-27. Review status: criteria provided, single submitter. Criteria: Invitae Variant Classification Sherloc (09022015). Collection method: clinical testing. Allele origin: germline.
Comment: This sequence change replaces threonine, which is neutral and polar, with methionine, which is neutral and non-polar, at codon 586 of the KSR2 protein (p.Thr586Met). This variant is present in population databases (rs534046978, gnomAD 0.02%). This variant has not been reported in the literature in individuals affected with KSR2-related conditions. An algorithm developed to predict the effect of missense changes on protein structure and function (PolyPhen-2) suggests that this variant is likely to be disruptive. In summary, the available evidence is currently insufficient to determine the role of this variant in disease. Therefore, it has been classified as a Variant of Uncertain Significance.

Blueprint Genetics
Classification: Likely benign. Last evaluated: 2024-09-20. Review status: criteria provided, single submitter. Criteria: ACMG Guidelines, 2015. Collection method: clinical testing. Allele origin: germline.